The following is an entry in ClinVar:

ClinVar aggregate classification (germline): Uncertain significance (1 of 4 stars; one submission).

Conditions:
Charcot-Marie-Tooth disease type 2. Also called: Charcot-Marie-Tooth type 2. Identifiers: Orphanet 64746, MedGen C0270914, MONDO:0018993.

Submission:

Labcorp Genetics (formerly Invitae), Labcorp
Classification: Uncertain significance for Charcot-Marie-Tooth disease type 2. Last evaluated: 2022-07-06. Review status: criteria provided, single submitter. Criteria: Invitae Variant Classification Sherloc (09022015). Collection method: clinical testing. Allele origin: germline.
Comment: A copy number gain of the genomic region encompassing the full coding sequence of the MFN2 gene has been identified. The boundaries of this event are unknown as they extend beyond the assayed region for this gene and therefore may encompass additional genes. As the precise location of this event is unknown, it may be in tandem or it may be located elsewhere in the genome. This variant has not been reported in the literature in individuals affected with MFN2-related conditions. Experimental studies and prediction algorithms are not available or were not evaluated, and the functional significance of this variant is currently unknown. In summary, the available evidence is currently insufficient to determine the role of this variant in disease. Therefore, it has been classified as a Variant of Uncertain Significance.

NC_000001.10:g.(?_12030707)_(12071622_?)dup

Genes: MFN2 (mitofusin 2; plus strand), PLOD1 (procollagen-lysine,2-oxoglutarate 5-dioxygenase 1; plus strand). Cytogenetic location: 1p36.22.
Variant type: Duplication.
Identifiers: ClinVar variation 1411861 (VCV001411861.4).